The following is an entry in ClinVar:

ClinVar aggregate classification (germline): Pathogenic/Likely pathogenic. Review status: criteria provided, multiple submitters, no conflicts (2 of 4 stars). 2 submissions from 2 submitters: Pathogenic (1); Likely pathogenic (1). Last evaluated 2023-05-02.

Conditions:
Familial adenomatous polyposis 1 (FAP1). Also called: FAMILIAL ADENOMATOUS POLYPOSIS 1, ATTENUATED; POLYPOSIS, ADENOMATOUS INTESTINAL. Identifiers: MedGen C2713442, MONDO:0021056, OMIM 175100. Disease mechanism: loss of function.

Submissions (2):

Myriad Genetics, Inc.
Classification: Pathogenic for Familial adenomatous polyposis 1. Last evaluated: 2023-05-02. Review status: criteria provided, single submitter. Criteria: Myriad Autosomal Dominant, Autosomal Recessive and X-Linked Classification Criteria (2023). Collection method: clinical testing. Allele origin: unknown.
Comment: This variant is considered pathogenic. This variant creates a termination codon and is predicted to result in premature protein truncation.

GeneKor MSA
Classification: Likely pathogenic. Last evaluated: 2020-01-01. Review status: criteria provided, single submitter. Criteria: ACMG Guidelines, 2015. Collection method: clinical testing. Allele origin: germline. Affected: no.
Comment: This variant is a single amino acid change from Glutamine to a premature translational stop signal at codon 532 of the APC protein. This is expected to result in an absent or disrupted protein product. Truncating variants in APC are known to be pathogenic. This variant has been described in the international literature in individuals undergoing panel testing for hereditary syndrome (PMID: 31159747).

NM_000038.6(APC):c.1594C>T (p.Gln532Ter)

Gene: APC (APC regulator of Wnt signaling pathway; plus strand). Cytogenetic location: 5q22.2.
Variant type: single nucleotide variant.
Coding change: c.1594C>T on transcript NM_000038.6 (MANE Select); coding-DNA position 1594, C replaced by T.
Protein change: p.Gln532Ter; replaces glutamine 532 with a stop codon.
Molecular consequence: nonsense.
Genome position (GRCh38, 1-based): chr5:112,827,974, C>T. VCF-style: chr5-112827974-C-T. GRCh37 (hg19) VCF-style: chr5-112163671-C-T.
Other names: c.1594C>T, p.Gln532Ter (NM_001127510.3, NM_001354895.2); c.1540C>T, p.Gln514Ter (NM_001127511.3); c.1648C>T, p.Gln550Ter (NM_001354896.2); c.1624C>T, p.Gln542Ter (NM_001354897.2); c.1519C>T, p.Gln507Ter (NM_001354898.2); c.1510C>T, p.Gln504Ter (NM_001354899.2); c.1471C>T, p.Gln491Ter (NM_001354900.2); c.1417C>T, p.Gln473Ter (NM_001354901.2); and 5 more; short protein forms Q532*, Q514*, Q249*, Q431*, Q473*, Q504*, Q507*, Q550*.
Identifiers: ClinVar variation 584460 (VCV000584460.4), dbSNP rs1554081901, ClinGen allele CA16024786.